The following is an entry in ClinVar:

NM_024721.5(ZFHX4):c.8432G>A (p.Ser2811Asn)

Gene: ZFHX4 (zinc finger homeobox 4; plus strand). Cytogenetic location: 8q21.13.
Variant type: single nucleotide variant.
Coding change: c.8432G>A on transcript NM_024721.5 (MANE Select); coding-DNA position 8432, G replaced by A.
Protein change: p.Ser2811Asn; replaces serine 2811 with asparagine.
Molecular consequence: missense variant.
Genome position (GRCh38, 1-based): chr8:76,855,353, G>A. VCF-style: chr8-76855353-G-A. GRCh37 (hg19) VCF-style: chr8-77767589-G-A.
Other names: c.8354G>A, p.Ser2785Asn (NM_001410934.1); short protein forms S2785N, S2811N.
Identifiers: ClinVar variation 5037511 (VCV005037511.1).

ClinVar aggregate classification (germline): Uncertain significance (1 of 4 stars; one submission).

Submission:

GeneDx
Classification: Uncertain significance. Last evaluated: 2026-04-21. Review status: criteria provided, single submitter. Criteria: GeneDx Variant Classification Process June 2021. Collection method: clinical testing. Allele origin: germline.
Comment: Not observed at significant frequency in large population cohorts (gnomAD); In silico analysis suggests that this missense variant does not alter protein structure/function; Has not been previously published as pathogenic or benign to our knowledge